The following is an entry in ClinVar:

ClinVar aggregate classification (germline): Uncertain significance (1 of 4 stars; one submission).

Allele frequency attached by ClinVar (database versions not stated): gnomAD 0.00010 and 0.00011; gnomAD exomes 0.00010 and 0.00013; TOPMed 0.00010; ExAC 0.00016; ESP Exome Variant Server 0.00023.
gnomAD v4.1: 207 of 1,614,104 alleles (0.013%); highest among the groups gnomAD compares: Non-Finnish European, 0.016%; no homozygotes.

Submission:

GeneDx
Classification: Uncertain significance. Last evaluated: 2020-02-03. Review status: criteria provided, single submitter. Criteria: GeneDx Variant Classification Process June 2021. Collection method: clinical testing. Allele origin: germline. Affected: yes.
Comment: In silico analysis supports that this missense variant does not alter protein structure/function; Has not been previously published as pathogenic or benign to our knowledge

NM_001206999.2(CIT):c.1742G>A (p.Arg581Gln)

Gene: CIT (citron rho-interacting serine/threonine kinase; minus strand). Cytogenetic location: 12q24.23.
Variant type: single nucleotide variant.
Coding change: c.1742G>A on transcript NM_001206999.2 (MANE Select); coding-DNA position 1742, G replaced by A.
Protein change: p.Arg581Gln; replaces arginine 581 with glutamine.
Molecular consequence: missense variant.
Genome position (GRCh38, 1-based): chr12:119,776,766, C>T on the plus strand (G>A on the coding strand, the complement: CIT is on the minus strand). VCF-style: chr12-119776766-C-T. GRCh37 (hg19) VCF-style: chr12-120214570-C-T.
Other names: c.1742G>A, p.Arg581Gln (NM_007174.3); short protein forms R581Q.
Identifiers: ClinVar variation 1315146 (VCV001315146.2), dbSNP rs201303983, ClinGen allele CA6821992.
Genomic context (GRCh38, chr12:119,776,766, plus strand): 5'-CGCTTGAATTCTTCAGCAGCAAGCCGAGACTCTCTCAGCTCAGATTCGTAGAGATCACTC[C>T]GTCTTCTTGCTGAGACAAGATCCTCTTCCAACTGATTCATCATCAACCTCATTTCTTCCA-3'
Protein context (NP_001193928.1, residues 571-591): LEEDLVSARR[Arg581Gln]SDLYESELRE